The following is an entry in ClinVar:

NM_001128228.3(TPRN):c.440_444dup (p.Arg149fs)

Gene: TPRN (taperin; minus strand). Cytogenetic location: 9q34.3.
Variant type: Microsatellite.
Coding change: c.440_444dup on transcript NM_001128228.3 (MANE Select); coding-DNA positions 440 to 444, 5 bases duplicated (GCCGC; older notation c.440_444dupGCCGC).
Protein change: p.Arg149fs; shifts the reading frame from arginine 149.
Molecular consequence: frameshift variant.
Genome position (GRCh38, 1-based): chr9:137,200,268-137,200,272, GCGGC duplicated on the plus strand (GCCGC on the coding strand, the reverse complement: TPRN is on the minus strand); duplicating any 5 consecutive bases within chr9:137,200,268-137,200,283 gives the same sequence; the c. name uses the placement nearest the transcript's 3' end. VCF-style (leftmost placement, unchanged base first): chr9-137200267-G-GGCGGC. GRCh37 (hg19) VCF-style: chr9-140094719-G-GGCGGC.
Other names: short protein forms R149fs.
Identifiers: ClinVar variation 3659574 (VCV003659574.5).

ClinVar aggregate classification (germline): Pathogenic/Likely pathogenic. Review status: criteria provided, multiple submitters, no conflicts (2 of 4 stars). 3 submissions from 3 submitters: Pathogenic (1); Likely pathogenic (2). Last evaluated 2024-10-18.

Conditions:
Autosomal recessive nonsyndromic hearing loss 79. Identifiers: Orphanet 90636, MedGen C2750082, MONDO:0013215, OMIM 613307.
TPRN-related disorder. Also called: TPRN-related condition.

Submissions (3):

Dasa
Classification: Likely pathogenic for Autosomal recessive nonsyndromic hearing loss 79. Last evaluated: 2024-10-18. Review status: criteria provided, single submitter. Criteria: DASA Assertion Criteria. Collection method: clinical testing. Allele origin: germline.
Comment: NM_001128228.3(TPRN):c.440_444dup (p.Arg149Alafs*303) is a frameshift variant in TPRN predicted to alter the reading frame and introduce a premature termination codon and is predicted to result in an absent or altered protein product. Loss of function is an established disease mechanism for TPRN-associated disorders. Also, this variant is rare in population databases. Based on the currently available evidence, this variant is classified as likely pathogenic.

Labcorp Genetics (formerly Invitae), Labcorp
Classification: Pathogenic. Last evaluated: 2024-06-12. Review status: criteria provided, single submitter. Criteria: Invitae Variant Classification Sherloc (09022015). Collection method: clinical testing. Allele origin: germline.
Comment: This sequence change creates a premature translational stop signal (p.Arg149Alafs*303) in the TPRN gene. It is expected to result in an absent or disrupted protein product. Loss-of-function variants in TPRN are known to be pathogenic (PMID: 20170898, 20170899). The frequency data for this variant in the population databases is considered unreliable, as metrics indicate insufficient coverage at this position in the gnomAD database. This premature translational stop signal has been observed in individual(s) with nonsyndromic hearing loss (PMID: 32279305). For these reasons, this variant has been classified as Pathogenic.

Blueprint Genetics
Classification: Likely pathogenic for TPRN-related disorders. Last evaluated: 2021-10-21. Review status: criteria provided, single submitter. Criteria: ACMG Guidelines, 2015. Collection method: clinical testing. Allele origin: germline. Affected: yes. Observed: 1 variant allele.

Literature cited by the submitters: PubMed 20170898 (cited by Labcorp Genetics (formerly Invitae), Labcorp); PubMed 20170899 (cited by Labcorp Genetics (formerly Invitae), Labcorp); PubMed 32279305 (cited by Labcorp Genetics (formerly Invitae), Labcorp).